The following is an entry in ClinVar:

NM_000059.4(BRCA2):c.9677A>G (p.Tyr3226Cys)

Gene: BRCA2 (BRCA2 DNA repair associated; plus strand). Cytogenetic location: 13q13.1.
Variant type: single nucleotide variant.
Coding change: c.9677A>G on transcript NM_000059.4 (MANE Select); coding-DNA position 9677, A replaced by G.
Protein change: p.Tyr3226Cys; replaces tyrosine 3226 with cysteine.
Molecular consequence: missense variant.
Genome position (GRCh38, 1-based): chr13:32,398,190, A>G. VCF-style: chr13-32398190-A-G. GRCh37 (hg19) VCF-style: chr13-32972327-A-G.
Other names: short protein forms Y3226C.
Identifiers: ClinVar variation 52890 (VCV000052890.41), dbSNP rs80359237, ClinGen allele CA026266.

ClinVar aggregate classification (germline): Conflicting classifications of pathogenicity. Review status: criteria provided, conflicting classifications (1 of 4 stars). 14 submissions from 14 submitters: Uncertain significance (8); Likely benign (3). 3 of the submissions do not count toward it. Last evaluated 2026-01-29.

Conditions:
Hereditary breast ovarian cancer syndrome. Also called: Hereditary breast and ovarian cancer syndrome; Hereditary breast and ovarian cancer; Hereditary breast and ovarian cancer syndrome (HBOC); Breast and ovarian cancer; Hereditary breast and/or ovarian cancer syndrome; BRCA1- and BRCA2-Associated Hereditary Breast and Ovarian Cancer. Identifiers: Orphanet 145, MedGen C0677776, MeSH D061325, MONDO:0003582. Disease mechanism: loss of function.
Familial cancer of breast. Also called: BREAST CANCER, FAMILIAL; Hereditary breast cancer; hereditary breast carcinoma. Identifiers: Orphanet 227535, MedGen C0346153, MONDO:0016419, OMIM 114480. Disease mechanism: loss of function.
BRCA2-related disorder. Also called: BRCA2-related condition; BRCA2-related disorders. Identifiers: MedGen CN239275.
Hereditary cancer-predisposing syndrome. Also called: Neoplastic Syndromes, Hereditary; Tumor predisposition; Hereditary neoplastic syndrome; Hereditary Cancer Syndrome. Identifiers: Orphanet 140162, MedGen C0027672, MeSH D009386, MONDO:0015356.
Breast-ovarian cancer, familial, susceptibility to, 2 (BROVCA2). Also called: BRCA2 Hereditary Breast and Ovarian Cancer. Identifiers: Orphanet 145, MedGen C2675520, MONDO:0012933, OMIM 612555. Disease mechanism: loss of function.

Allele frequency attached by ClinVar (database versions not stated): ExAC 0.00001; gnomAD exomes 0.00001; gnomAD 0.00004 and 0.00005; TOPMed 0.00005; 1000 Genomes Project 30x 0.00031; 1000 Genomes Project 0.00040.
gnomAD v4.1: 14 of 1,611,290 alleles (0.00087%); highest among the groups gnomAD compares: African/African-American, 0.017%; no homozygotes.

Submissions (14):

Labcorp Genetics (formerly Invitae), Labcorp
Classification: Uncertain significance for Hereditary breast ovarian cancer syndrome. Last evaluated: 2026-01-29. Review status: criteria provided, single submitter. Criteria: Invitae Variant Classification Sherloc (09022015). Collection method: clinical testing. Allele origin: germline.
Comment: This sequence change replaces tyrosine, which is neutral and polar, with cysteine, which is neutral and slightly polar, at codon 3226 of the BRCA2 protein (p.Tyr3226Cys). This variant is present in population databases (rs80359237, gnomAD 0.01%). This missense change has been observed in individual(s) with breast cancer (PMID: 22034289, 35264596). ClinVar contains an entry for this variant (Variation ID: 52890). Invitae Evidence Modeling of protein sequence and biophysical properties (such as structural, functional, and spatial information, amino acid conservation, physicochemical variation, residue mobility, and thermodynamic stability) indicates that this missense variant is not expected to disrupt BRCA2 protein function with a negative predictive value of 95%. In summary, the available evidence is currently insufficient to determine the role of this variant in disease. Therefore, it has been classified as a Variant of Uncertain Significance.

Ambry Genetics
Classification: Uncertain significance for Hereditary cancer-predisposing syndrome. Last evaluated: 2025-10-22. Review status: criteria provided, single submitter. Criteria: Ambry Variant Classification Scheme 2023. Collection method: clinical testing. Allele origin: germline.
Comment: The p.Y3226C variant (also known as c.9677A>G), located in coding exon 26 of the BRCA2 gene, results from an A to G substitution at nucleotide position 9677. The tyrosine at codon 3226 is replaced by cysteine, an amino acid with highly dissimilar properties. This alteration has been identified in multiple individuals diagnosed with breast cancer (Fackenthal JD et al. Int. J. Cancer. 2012 Sep;13:1114-23; Guindalini RSC et al. Sci Rep, 2022 Mar;12:4190). This amino acid position is not well conserved in available vertebrate species. In addition, this alteration is predicted to be tolerated by in silico analysis. Since supporting evidence is limited at this time, the clinical significance of this alteration remains unclear.

Women's Health and Genetics/Laboratory Corporation of America, LabCorp
Classification: Uncertain significance. Last evaluated: 2025-09-03. Review status: criteria provided, single submitter. Criteria: LabCorp Variant Classification Summary - May 2015. Collection method: clinical testing. Allele origin: germline.
Comment: Variant summary: BRCA2 c.9677A>G (p.Tyr3226Cys) results in a non-conservative amino acid change in the encoded protein sequence. Algorithms developed to predict the effect of missense changes on protein structure and function are either unavailable or do not agree on the potential impact of this missense change. The variant allele was found at a frequency of 8e-06 in 249930 control chromosomes. The available data on variant occurrences in the general population are insufficient to allow any conclusion about variant significance. c.9677A>G has been observed in individual(s) affected with breast cancer (Fackenthal_2012, Guindalini_2022). These report(s) do not provide unequivocal conclusions about association of the variant with Hereditary Breast And Ovarian Cancer Syndrome. Co-occurrences with other pathogenic variant(s) have been reported in the UMD database (BRCA2 c.7501C>T, p.Gln2501*), providing supporting evidence for a benign role. To our knowledge, no experimental evidence demonstrating an impact on protein function has been reported. The following publications have been ascertained in the context of this evaluation (PMID: 22034289, 35264596, 38814256). ClinVar contains an entry for this variant (Variation ID: 52890). Based on the evidence outlined above, the variant was classified as VUS-possibly benign.

ARUP Laboratories, Molecular Genetics and Genomics, ARUP Laboratories
Classification: Likely benign. Last evaluated: 2025-05-20. Review status: criteria provided, single submitter. Criteria: ARUP Molecular Germline Variant Investigation Process 2024. Collection method: clinical testing. Allele origin: germline.

Quest Diagnostics Nichols Institute San Juan Capistrano
Classification: Uncertain significance. Last evaluated: 2025-02-11. Review status: criteria provided, single submitter. Criteria: Quest Diagnostics criteria. Collection method: clinical testing. Allele origin: unknown.
Comment: The BRCA2 c.9677A>G (p.Tyr3226Cys) variant has been reported in the published literature in in individuals with breast cancer (PMID: 22034289 (2012), 35264596 (2022)). The frequency of this variant in the general population (Genome Aggregation Database) is uninformative in the assessment of its pathogenicity. Analysis of this variant using bioinformatics tools for the prediction of the effect of amino acid changes on protein structure and function yielded predictions that this variant is benign. Based on the available information, we are unable to determine the clinical significance of this variant.

Baylor Genetics
Classification: Uncertain significance for Familial cancer of breast. Last evaluated: 2024-03-22. Review status: criteria provided, single submitter. Criteria: ACMG Guidelines, 2015. Collection method: clinical testing. Allele origin: unknown.

All of Us Research Program, National Institutes of Health
Classification: Likely benign for Breast-ovarian cancer, familial, susceptibility to, 2. Last evaluated: 2024-02-05. Review status: criteria provided, single submitter. Criteria: ACMG Guidelines, 2015. Collection method: clinical testing. Allele origin: germline. Inheritance: Autosomal dominant inheritance. Observed: 2 variant alleles, 2 heterozygotes.
Comment: This study involves interpretation of variants in research participants for the purpose of population health screening. Participant phenotype was not available at the time of variant classification. Additional details can be found in publication PMID: 35346344, PMCID: PMC8962531

GeneDx
Classification: Uncertain significance. Last evaluated: 2023-08-08. Review status: criteria provided, single submitter. Criteria: GeneDx Variant Classification Process June 2021. Collection method: clinical testing. Allele origin: germline. Affected: yes.
Comment: Not observed at significant frequency in large population cohorts (gnomAD); In silico analysis supports that this missense variant does not alter protein structure/function; Also known as 9905A>G; This variant is associated with the following publications: (PMID: 22034289, 35264596, 31131967, 29884841, 32377563)

PreventionGenetics, part of Exact Sciences
Classification: Uncertain significance for BRCA2-related condition. Last evaluated: 2023-02-16. Review status: criteria provided, single submitter. Criteria: ACMG Guidelines, 2015. Collection method: clinical testing. Allele origin: germline.
Comment: The BRCA2 c.9677A>G variant is predicted to result in the amino acid substitution p.Tyr3226Cys. This variant has been reported in one patient with breast cancer (Fackenthal et al. 2012. PubMed ID: 22034289). This variant is reported in 0.012% of alleles in individuals of African descent in gnomAD. This variant is classified as likely benign and variant of uncertain significance in Clinvar. At this time, the clinical significance of this variant is uncertain due to the absence of conclusive functional and genetic evidence.

Mendelics
Classification: Uncertain significance for Breast-ovarian cancer, familial, susceptibility to, 2. Last evaluated: 2019-05-28. Review status: criteria provided, single submitter. Criteria: Mendelics Assertion Criteria 2017. Collection method: clinical testing. Allele origin: unknown.

Color Diagnostics, LLC DBA Color Health
Classification: Likely benign for Hereditary cancer-predisposing syndrome. Last evaluated: 2017-01-03. Review status: criteria provided, single submitter. Criteria: ACMG Guidelines, 2015. Collection method: clinical testing. Allele origin: germline.

Counsyl
Classification: Uncertain significance for Breast-ovarian cancer, familial, susceptibility to, 2. Last evaluated: 2017-02-08. Review status: no assertion criteria provided. Collection method: clinical testing. Allele origin: unknown. Not counted in ClinVar's aggregate classification.

Breast Cancer Information Core (BIC) (BRCA2)
Classification: Uncertain significance for Breast-ovarian cancer, familial 2. Last evaluated: 2002-05-29. Review status: no assertion criteria provided. Collection method: clinical testing. Allele origin: germline. Affected: yes. Observed: 1 variant allele. Not counted in ClinVar's aggregate classification.

Department of Pathology and Laboratory Medicine, Sinai Health System
Classification: Uncertain significance. Review status: no assertion criteria provided. Collection method: clinical testing. Allele origin: unknown. Affected: yes. Observed: 1 variant allele. Study: The Canadian Open Genetics Repository (COGR). Not counted in ClinVar's aggregate classification.

Literature cited by the submitters: PubMed 22034289 (cited by 5 submitters); PubMed 35264596 (cited by 4 submitters); PubMed 38814256 (cited by Women's Health and Genetics/Laboratory Corporation of America, LabCorp); PubMed 31853058 (cited by Quest Diagnostics Nichols Institute San Juan Capistrano); PubMed 31131967 (cited by Quest Diagnostics Nichols Institute San Juan Capistrano); PubMed 38153744 (cited by Quest Diagnostics Nichols Institute San Juan Capistrano).